The following is an entry in ClinVar:

ClinVar aggregate classification (germline): Uncertain significance (1 of 4 stars; one submission).

Conditions:
Von Hippel-Lindau syndrome (VHLS). Also called: Von Hippel-Lindau; VHL syndrome; von Hippel–Lindau syndrome. Identifiers: Orphanet 892, MedGen C0019562, MONDO:0008667, OMIM 193300. Disease mechanism: loss of function.
Chuvash polycythemia. Also called: POLYCYTHEMIA, VHL-DEPENDENT. Identifiers: Orphanet 238557, MedGen C1837915, MONDO:0009892, OMIM 263400.

Submission:

Labcorp Genetics (formerly Invitae), Labcorp
Classification: Uncertain significance for Von Hippel-Lindau syndrome; Chuvash polycythemia. Last evaluated: 2025-05-05. Review status: criteria provided, single submitter. Criteria: Invitae Variant Classification Sherloc (09022015). Collection method: clinical testing. Allele origin: germline.
Comment: This sequence change falls in intron 1 of the VHL gene. It is not expected to change the encoded amino acid sequence of the VHL protein. However, this sequence change falls within a cryptic exon in the VHL gene, known as exon E1’, which is naturally expressed at low levels in several human tissues (PMID: 29891534). This variant is not present in population databases (gnomAD no frequency). This variant has not been reported in the literature in individuals affected with VHL-related conditions. ClinVar contains an entry for this variant (Variation ID: 1345390). Studies have shown that this variant is associated with inconclusive levels of altered splicing (internal data). In summary, the available evidence is currently insufficient to determine the role of this variant in disease. Therefore, it has been classified as a Variant of Uncertain Significance.

Literature cited by the submitters: PubMed 29891534.

NM_000551.4(VHL):c.340+677G>A

Genes: VHL (von Hippel-Lindau tumor suppressor; plus strand), LOC107303340 (3p25 von Hippel-Lindau tumor suppressor, E3 ubiquitin protein ligase Alu-mediated recombination region; plus strand). Cytogenetic location: 3p25.3.
Variant type: single nucleotide variant.
Coding change: c.340+677G>A on transcript NM_000551.4 (MANE Select); 677 bases into the intron after coding-DNA position 340, G replaced by A.
Molecular consequence: intron variant. On other transcripts: missense variant (1).
Genome position (GRCh38, 1-based): chr3:10,142,864, G>A. VCF-style: chr3-10142864-G-A. GRCh37 (hg19) VCF-style: chr3-10184548-G-A.
Other names: c.442G>A, p.Gly148Ser (NM_001354723.2); c.340+677G>A (NM_198156.3); short protein forms G148S.
Identifiers: ClinVar variation 1345390 (VCV001345390.8), dbSNP rs2125125965, ClinGen allele CA2573136114.